The following is an entry in ClinVar:

NM_020163.3(SEMA3G):c.1895G>A (p.Arg632Gln)

Gene: SEMA3G (semaphorin 3G; minus strand). Cytogenetic location: 3p21.1.
Variant type: single nucleotide variant.
Coding change: c.1895G>A on transcript NM_020163.3 (MANE Select); coding-DNA position 1895, G replaced by A.
Protein change: p.Arg632Gln; replaces arginine 632 with glutamine.
Molecular consequence: missense variant.
Genome position (GRCh38, 1-based): chr3:52,436,057, C>T on the plus strand (G>A on the coding strand, the complement: SEMA3G is on the minus strand). VCF-style: chr3-52436057-C-T. GRCh37 (hg19) VCF-style: chr3-52470073-C-T.
Other names: short protein forms R632Q.
Identifiers: ClinVar variation 3352328 (VCV003352328.1).

ClinVar aggregate classification (germline): Uncertain significance (0 of 4 stars; one submission).

Conditions:
SEMA3G-related disorder. Also called: SEMA3G-related condition.

gnomAD v4.1: 14 of 1,609,324 alleles (0.00087%); highest among the groups gnomAD compares: African/African-American, 0.0013%; no homozygotes.

Submission:

PreventionGenetics, part of Exact Sciences
Classification: Uncertain significance for SEMA3G-related condition. Last evaluated: 2024-08-22. Review status: no assertion criteria provided. Collection method: clinical testing. Allele origin: germline.
Comment: The SEMA3G c.1895G>A variant is predicted to result in the amino acid substitution p.Arg632Gln. To our knowledge, this variant has not been reported in the literature or in a large population database, indicating this variant is rare. At this time, the clinical significance of this variant is uncertain due to the absence of conclusive functional and genetic evidence.